The following is an entry in ClinVar:

NM_000342.4(SLC4A1):c.2641G>A (p.Val881Met)

Gene: SLC4A1 (solute carrier family 4 member 1 (Diego blood group); minus strand). Cytogenetic location: 17q21.31.
Variant type: single nucleotide variant.
Coding change: c.2641G>A on transcript NM_000342.4 (MANE Select); coding-DNA position 2641, G replaced by A.
Protein change: p.Val881Met; replaces valine 881 with methionine.
Molecular consequence: missense variant.
Genome position (GRCh38, 1-based): chr17:44,251,173, C>T on the plus strand (G>A on the coding strand, the complement: SLC4A1 is on the minus strand). VCF-style: chr17-44251173-C-T. GRCh37 (hg19) VCF-style: chr17-42328541-C-T.
Other names: short protein forms V881M.
Identifiers: ClinVar variation 2592009 (VCV002592009.5), dbSNP rs767364927, ClinGen allele CA8599982.

ClinVar aggregate classification (germline): Uncertain significance. Review status: criteria provided, multiple submitters, no conflicts (2 of 4 stars). 2 submissions from 2 submitters: Uncertain significance (2). Last evaluated 2024-12-24.

Conditions:
Inborn genetic diseases. Identifiers: MedGen C0950123, MeSH D030342.

Allele frequency attached by ClinVar (database versions not stated): gnomAD exomes 0.00002; gnomAD 0.00003; TOPMed 0.00003; ExAC 0.00007.
gnomAD v4.1: 28 of 1,605,568 alleles (0.0017%); highest among the groups gnomAD compares: Middle Eastern, 0.017%; no homozygotes.

Submissions (2):

Labcorp Genetics (formerly Invitae), Labcorp
Classification: Uncertain significance. Last evaluated: 2024-12-24. Review status: criteria provided, single submitter. Criteria: Invitae Variant Classification Sherloc (09022015). Collection method: clinical testing. Allele origin: germline.
Comment: This sequence change replaces valine, which is neutral and non-polar, with methionine, which is neutral and non-polar, at codon 881 of the SLC4A1 protein (p.Val881Met). This variant is present in population databases (rs767364927, gnomAD 0.02%). This variant has not been reported in the literature in individuals affected with SLC4A1-related conditions. ClinVar contains an entry for this variant (Variation ID: 2592009). Invitae Evidence Modeling of protein sequence and biophysical properties (such as structural, functional, and spatial information, amino acid conservation, physicochemical variation, residue mobility, and thermodynamic stability) indicates that this missense variant is not expected to disrupt SLC4A1 protein function with a negative predictive value of 80%. In summary, the available evidence is currently insufficient to determine the role of this variant in disease. Therefore, it has been classified as a Variant of Uncertain Significance.

Ambry Genetics
Classification: Uncertain significance for Inborn genetic diseases. Last evaluated: 2023-06-30. Review status: criteria provided, single submitter. Criteria: Ambry Variant Classification Scheme 2023. Collection method: clinical testing. Allele origin: germline.